The following is an entry in ClinVar:

NM_000135.4(FANCA):c.3045G>C (p.Glu1015Asp)

Gene: FANCA (FA complementation group A; minus strand). Cytogenetic location: 16q24.3.
Variant type: single nucleotide variant.
Coding change: c.3045G>C on transcript NM_000135.4 (MANE Select); coding-DNA position 3045, G replaced by C.
Protein change: p.Glu1015Asp; replaces glutamic acid 1015 with aspartic acid.
Molecular consequence: missense variant.
Genome position (GRCh38, 1-based): chr16:89,752,159, C>G on the plus strand (G>C on the coding strand, the complement: FANCA is on the minus strand). VCF-style: chr16-89752159-C-G. GRCh37 (hg19) VCF-style: chr16-89818567-C-G.
Other names: c.3045G>C, p.Glu1015Asp (NM_001286167.3); c.3045G>C (NM_000135.2); short protein forms E1015D.
Identifiers: ClinVar variation 1441343 (VCV001441343.4), dbSNP rs147661788, ClinGen allele CA8251372.

ClinVar aggregate classification (germline): Uncertain significance. Review status: criteria provided, multiple submitters, no conflicts (2 of 4 stars). 2 submissions from 2 submitters: Uncertain significance (2). Last evaluated 2025-01-03.

Conditions:
Inborn genetic diseases. Identifiers: MedGen C0950123, MeSH D030342.
Fanconi anemia (FA). Also called: Fanconi's anemia. Identifiers: Orphanet 84, MedGen C0015625, MeSH D005199, MONDO:0019391.

Allele frequency attached by ClinVar (database versions not stated): gnomAD exomes below 0.00001; ESP Exome Variant Server 0.00008; ExAC 0.00001.
gnomAD v4.1: 3 of 1,614,014 alleles (0.00019%); highest among the groups gnomAD compares: African/African-American, 0.0013%; no homozygotes.

Submissions (2):

Ambry Genetics
Classification: Uncertain significance for Inborn genetic diseases. Last evaluated: 2025-01-03. Review status: criteria provided, single submitter. Criteria: Ambry Variant Classification Scheme 2023. Collection method: clinical testing. Allele origin: germline.
Comment: The p.E1015D variant (also known as c.3045G>C), located in coding exon 31 of the FANCA gene, results from a G to C substitution at nucleotide position 3045. The glutamic acid at codon 1015 is replaced by aspartic acid, an amino acid with highly similar properties. This amino acid position is conserved. In addition, this alteration is predicted to be tolerated by in silico analysis. Based on the available evidence, the clinical significance of this variant remains unclear.

Labcorp Genetics (formerly Invitae), Labcorp
Classification: Uncertain significance for Fanconi anemia. Last evaluated: 2021-11-13. Review status: criteria provided, single submitter. Criteria: Invitae Variant Classification Sherloc (09022015). Collection method: clinical testing. Allele origin: germline.
Comment: This sequence change replaces glutamic acid, which is acidic and polar, with aspartic acid, which is acidic and polar, at codon 1015 of the FANCA protein (p.Glu1015Asp). This variant is present in population databases (rs147661788, gnomAD 0.003%). This variant has not been reported in the literature in individuals affected with FANCA-related conditions. Advanced modeling of protein sequence and biophysical properties (such as structural, functional, and spatial information, amino acid conservation, physicochemical variation, residue mobility, and thermodynamic stability) performed at Invitae indicates that this missense variant is not expected to disrupt FANCA protein function. In summary, the available evidence is currently insufficient to determine the role of this variant in disease. Therefore, it has been classified as a Variant of Uncertain Significance.